The following is an entry in ClinVar:

NM_004006.3(DMD):c.4072-541A>G

Gene: DMD (dystrophin; minus strand). Cytogenetic location: Xp21.1.
Variant type: single nucleotide variant.
Coding change: c.4072-541A>G on transcript NM_004006.3 (MANE Select); 541 bases into the intron before coding-DNA position 4072, A replaced by G.
Molecular consequence: intron variant.
Genome position (GRCh38, 1-based): chrX:32,412,454, T>C on the plus strand (A>G on the coding strand, the complement: DMD is on the minus strand). VCF-style: chrX-32412454-T-C. GRCh37 (hg19) VCF-style: chrX-32430571-T-C.
Other names: c.4048-541A>G (NM_000109.4); c.4060-541A>G (NM_004009.3); c.3703-541A>G (NM_004010.3).
Identifiers: ClinVar variation 679285 (VCV000679285.1), dbSNP rs67778598, ClinGen allele CA328008432.
Genomic context (GRCh38, chrX:32,412,454, plus strand): 5'-ATAACAGTCTGGTTAAAGATTTATTTTGAATACTATTTCAACCAGCTTTGCATGATCTTT[T>C]TTCTCCCTACTTTCTTTCACAATTTGGATTACAGAAATTGTTTGTACAATTGGGTTTATG-3'

ClinVar aggregate classification (germline): Benign (1 of 4 stars; one submission).

Allele frequency attached by ClinVar (database versions not stated): gnomAD 0.02836 and 0.02919; TOPMed 0.03393; 1000 Genomes Project 30x 0.04329; 1000 Genomes Project 0.04344.
gnomAD v4.1: 3,153 of 112,272 alleles (2.8%); highest among the groups gnomAD compares: African/African-American, 8.5%; 115 homozygotes.

Submission:

GeneDx
Classification: Benign. Last evaluated: 2018-06-14. Review status: criteria provided, single submitter. Criteria: GeneDx Variant Classification (06012015). Collection method: clinical testing. Allele origin: germline. Affected: yes.
Comment: This variant is considered likely benign or benign based on one or more of the following criteria: it is a conservative change, it occurs at a poorly conserved position in the protein, it is predicted to be benign by multiple in silico algorithms, and/or has population frequency not consistent with disease.